The following is an entry in ClinVar:

ClinVar aggregate classification (germline): Uncertain significance (1 of 4 stars; one submission).

Submission:

GeneDx
Classification: Uncertain significance. Last evaluated: 2024-10-03. Review status: criteria provided, single submitter. Criteria: GeneDx Variant Classification Process June 2021. Collection method: clinical testing. Allele origin: germline. Affected: yes.
Comment: Not observed at significant frequency in large population cohorts (gnomAD); In silico analysis supports that this missense variant has a deleterious effect on protein structure/function; Has not been previously published as pathogenic or benign to our knowledge

NM_005862.3(STAG1):c.1601G>T (p.Arg534Leu)

Gene: STAG1 (STAG1 cohesin complex component; minus strand). Cytogenetic location: 3q22.3.
Variant type: single nucleotide variant.
Coding change: c.1601G>T on transcript NM_005862.3 (MANE Select); coding-DNA position 1601, G replaced by T.
Protein change: p.Arg534Leu; replaces arginine 534 with leucine.
Molecular consequence: missense variant.
Genome position (GRCh38, 1-based): chr3:136,433,605, C>A on the plus strand (G>T on the coding strand, the complement: STAG1 is on the minus strand). VCF-style: chr3-136433605-C-A. GRCh37 (hg19) VCF-style: chr3-136152447-C-A.
Other names: short protein forms R534L.
Identifiers: ClinVar variation 3776506 (VCV003776506.1).